The following is an entry in ClinVar:

ClinVar aggregate classification (germline): Uncertain significance (1 of 4 stars; one submission).

gnomAD v4.1: 2 of 1,612,386 alleles (0.00012%); highest among the groups gnomAD compares: South Asian, 0.0011%; no homozygotes.

Submission:

Labcorp Genetics (formerly Invitae), Labcorp
Classification: Uncertain significance. Last evaluated: 2022-08-01. Review status: criteria provided, single submitter. Criteria: Invitae Variant Classification Sherloc (09022015). Collection method: clinical testing. Allele origin: germline.
Comment: In summary, the available evidence is currently insufficient to determine the role of this variant in disease. Therefore, it has been classified as a Variant of Uncertain Significance. Algorithms developed to predict the effect of missense changes on protein structure and function output the following: SIFT: "Deleterious"; PolyPhen-2: "Benign"; Align-GVGD: "Class C65". The serine amino acid residue is found in multiple mammalian species, which suggests that this missense change does not adversely affect protein function. This variant has not been reported in the literature in individuals affected with ERCC6-related conditions. This variant is present in population databases (no rsID available, gnomAD 0.003%). This sequence change replaces alanine, which is neutral and non-polar, with serine, which is neutral and polar, at codon 877 of the ERCC6 protein (p.Ala877Ser).

NM_000124.4(ERCC6):c.2629G>T (p.Ala877Ser)

Gene: ERCC6 (ERCC excision repair 6, chromatin remodeling factor; minus strand). Cytogenetic location: 10q11.23.
Variant type: single nucleotide variant.
Coding change: c.2629G>T on transcript NM_000124.4 (MANE Select); coding-DNA position 2629, G replaced by T.
Protein change: p.Ala877Ser; replaces alanine 877 with serine.
Molecular consequence: missense variant.
Genome position (GRCh38, 1-based): chr10:49,473,557, C>A on the plus strand (G>T on the coding strand, the complement: ERCC6 is on the minus strand). VCF-style: chr10-49473557-C-A. GRCh37 (hg19) VCF-style: chr10-50681603-C-A.
Other names: c.2629G>T, p.Ala877Ser (NM_001346440.2); short protein forms A877S.
Identifiers: ClinVar variation 1960998 (VCV001960998.3), dbSNP rs1420639024, ClinGen allele CA376720252.